The following is an entry in ClinVar:

ClinVar aggregate classification (germline): Uncertain significance. Review status: criteria provided, multiple submitters, no conflicts (2 of 4 stars). 3 submissions from 3 submitters: Uncertain significance (3). Last evaluated 2026-04-13.

Conditions:
ELP1-related disorder. Also called: ELP1-related condition.

Allele frequency attached by ClinVar (database versions not stated): ExAC 0.00001; gnomAD 0.00001; gnomAD exomes 0.00001; TOPMed 0.00001.
gnomAD v4.1: 11 of 1,611,492 alleles (0.00068%); highest among the groups gnomAD compares: East Asian, 0.022%; no homozygotes.

Submissions (3):

PreventionGenetics, part of Exact Sciences
Classification: Uncertain significance for ELP1-related condition. Last evaluated: 2026-04-13. Review status: criteria provided, single submitter. Criteria: ACMG Guidelines, 2015. Collection method: clinical testing. Allele origin: germline.
Comment: The ELP1 c.3737T>C variant is predicted to result in the amino acid substitution p.Phe1246Ser. To our knowledge, this variant has not been reported in the literature. This variant is reported in 0.038% of alleles in individuals of East Asian descent in gnomAD. At this time, the clinical significance of this variant is uncertain due to the absence of conclusive functional and genetic evidence.

Ambry Genetics
Classification: Uncertain significance. Last evaluated: 2023-02-16. Review status: criteria provided, single submitter. Criteria: Ambry Variant Classification Scheme 2023. Collection method: clinical testing. Allele origin: germline.

Labcorp Genetics (formerly Invitae), Labcorp
Classification: Uncertain significance. Last evaluated: 2022-09-06. Review status: criteria provided, single submitter. Criteria: Invitae Variant Classification Sherloc (09022015). Collection method: clinical testing. Allele origin: germline.
Comment: This sequence change replaces phenylalanine, which is neutral and non-polar, with serine, which is neutral and polar, at codon 1246 of the ELP1 protein (p.Phe1246Ser). This variant is present in population databases (rs764373685, gnomAD 0.04%). This variant has not been reported in the literature in individuals affected with ELP1-related conditions. Algorithms developed to predict the effect of missense changes on protein structure and function are either unavailable or do not agree on the potential impact of this missense change (SIFT: "Tolerated"; PolyPhen-2: "Probably Damaging"; Align-GVGD: "Class C0"). Algorithms developed to predict the effect of sequence changes on RNA splicing suggest that this variant may disrupt the consensus splice site. In summary, the available evidence is currently insufficient to determine the role of this variant in disease. Therefore, it has been classified as a Variant of Uncertain Significance.

NM_003640.5(ELP1):c.3737T>C (p.Phe1246Ser)

Gene: ELP1 (elongator acetyltransferase complex subunit 1; minus strand). Cytogenetic location: 9q31.3.
Variant type: single nucleotide variant.
Coding change: c.3737T>C on transcript NM_003640.5 (MANE Select); coding-DNA position 3737, T replaced by C.
Protein change: p.Phe1246Ser; replaces phenylalanine 1246 with serine.
Molecular consequence: missense variant.
Genome position (GRCh38, 1-based): chr9:108,878,113, A>G on the plus strand (T>C on the coding strand, the complement: ELP1 is on the minus strand). VCF-style: chr9-108878113-A-G. GRCh37 (hg19) VCF-style: chr9-111640393-A-G.
Other names: c.3737T>C (NM_003640.4); c.3395T>C, p.Phe1132Ser (NM_001318360.2); c.2690T>C, p.Phe897Ser (NM_001330749.2); short protein forms F1132S, F1246S, F897S.
Identifiers: ClinVar variation 2428019 (VCV002428019.6), dbSNP rs764373685, ClinGen allele CA5174197.
Genomic context (GRCh38, chr9:108,878,113, plus strand): 5'-ATCAACTGCAGCGTATCTTCAAAGGCCTTCTGTAATTCCCTTCCTTGTTCATCAAACTCA[A>G]AGAGAAAGAGTACCTTTAAAATATGGTATACTTCATCTAGAGAGAAGAAATTTGAAAGAG-3'
Protein context (NP_003631.2, residues 1236-1256): VYHILKVLFL[Phe1246Ser]EFDEQGRELQ